The following is an entry in ClinVar:

ClinVar aggregate classification (germline): Uncertain significance (1 of 4 stars; one submission).

Submission:

GeneDx
Classification: Uncertain significance. Last evaluated: 2022-03-22. Review status: criteria provided, single submitter. Criteria: GeneDx Variant Classification Process June 2021. Collection method: clinical testing. Allele origin: germline. Affected: yes.
Comment: Not observed at significant frequency in large population cohorts (gnomAD); In silico analysis supports that this missense variant does not alter protein structure/function; Has not been previously published as pathogenic or benign to our knowledge

NM_001020658.2(PUM1):c.995A>G (p.Lys332Arg)

Gene: PUM1 (pumilio RNA binding family member 1; minus strand). Cytogenetic location: 1p35.2.
Variant type: single nucleotide variant.
Coding change: c.995A>G on transcript NM_001020658.2 (MANE Select); coding-DNA position 995, A replaced by G.
Protein change: p.Lys332Arg; replaces lysine 332 with arginine.
Molecular consequence: missense variant.
Genome position (GRCh38, 1-based): chr1:30,992,553, T>C on the plus strand (A>G on the coding strand, the complement: PUM1 is on the minus strand). VCF-style: chr1-30992553-T-C. GRCh37 (hg19) VCF-style: chr1-31465400-T-C.
Other names: c.995A>G, p.Lys332Arg (NM_014676.3); short protein forms K332R.
Identifiers: ClinVar variation 1707332 (VCV001707332.2), dbSNP rs2521805697, ClinGen allele CA339569195.